The following is an entry in ClinVar:

NM_018669.6(WDR4):c.2T>C (p.Met1Thr)

Gene: WDR4 (WDR4 tRNA N7-guanosine methyltransferase non-catalytic subunit; minus strand). Cytogenetic location: 21q22.3.
Variant type: single nucleotide variant.
Coding change: c.2T>C on transcript NM_018669.6 (MANE Select); coding-DNA position 2, T replaced by C.
Protein change: p.Met1Thr; changes the start codon (methionine 1).
Molecular consequence: missense variant, initiator codon variant. On other transcripts: 5 prime UTR variant (2), intron variant (1).
Genome position (GRCh38, 1-based): chr21:42,879,494, A>G on the plus strand (T>C on the coding strand, the complement: WDR4 is on the minus strand). VCF-style: chr21-42879494-A-G. GRCh37 (hg19) VCF-style: chr21-44299604-A-G.
Other names: c.2T>C (NM_018669.5); c.2T>C, p.Met1Thr (NM_001260474.2, NM_033661.5); c.-385T>C (NM_001260475.2); c.-800T>C (NM_001260477.2); c.-298+19T>C (NM_001260476.2); short protein forms M1T.
Identifiers: ClinVar variation 2072980 (VCV002072980.4), dbSNP rs142849945, ClinGen allele CA10046330.

ClinVar aggregate classification (germline): Uncertain significance. Review status: criteria provided, multiple submitters, no conflicts (2 of 4 stars). 3 submissions from 3 submitters: Uncertain significance (3). Last evaluated 2024-10-09.

Conditions:
Microcephaly, growth deficiency, seizures, and brain malformations. Identifiers: MedGen C5193042, MONDO:0032690, OMIM 618346.
Galloway-Mowat syndrome 6. Identifiers: MedGen C5193043, MONDO:0032691, OMIM 618347.

Allele frequency attached by ClinVar (database versions not stated): ExAC 0.00022; gnomAD 0.00031; TOPMed 0.00032; ESP Exome Variant Server 0.00054.

Submissions (3):

Victorian Clinical Genetics Services, Murdoch Childrens Research Institute
Classification: Uncertain significance for Galloway-Mowat syndrome 6. Last evaluated: 2024-10-09. Review status: criteria provided, single submitter. Criteria: ACMG Guidelines, 2015. Collection method: clinical testing. Allele origin: germline. Inheritance: Autosomal recessive inheritance. Affected: yes.
Comment: Based on the classification scheme VCGS_Germline_v1.3.4, this variant is classified as VUS-3A. Following criteria are met: 0102 - Loss of function is a mechanism of disease in this gene and is associated with Galloway-Mowat syndrome 6 (MIM#618347) and microcephaly, growth deficiency, seizures, and brain malformations (MIM#618346). In addition, it has been suggested that loss of function variants may be associated with hematopoietic-related abnormalities in individuals with JAK2V617F-positive essential thrombocythemia (PMID: 31289202). (I) 0106 - This gene is associated with autosomal recessive disease. (I) 0115 - Variants in this gene are known to have variable expressivity and associated with Galloway-Mowat syndrome 6 (MIM#618347) (OMIM). (I) 0206 - Variant is predicted to result in a loss of the canonical translation initiation codon (ATG). The next predicted start codon is at amino acid 147; however, it should be noted that there are no pathogenic variants that have been reported between amino acids 1-146 (UCSC, DECIPHER, ClinVar). (SP) 0219 - This variant is non-coding in an alternative transcript. This variant is non-coding in four other transcripts; however, the transcript which was used to curate this variant is the ClinVar predominant transcript and is highly expressed across tissues (UCSC, ClinVar, GTEx). (I) 0251 - This variant is heterozygous. (I) 0304 - Variant is present in gnomAD (v2) <0.01 for a recessive condition (71 heterozygotes, 0 homozygotes). (SP) 0311 - An alternative nucleotide change at the initiation codon, is present in gnomAD (v3) (6 heterozygotes, 0 homozygotes). (I) 0704 - Another start-loss variant comparable to the one identified in this case has limited previous evidence for pathogenicity. The p.(Met1Val) variant has been classified as likely pathogenic by one clinical diagnostic laboratory (ClinVar). (SP) 0809 - Previous evidence of pathogenicity for this variant is inconclusive. This variant has been classified once as a VUS (ClinVar). It has also been classified as a VUS and a likely benign variant in LOVD; however, no justification has been provided for these classifications (LOVD). (I) 0905 - No published segregation evidence has been identified for this variant. (I) 1007 - No published functional evidence has been identified for this variant. (I) 1201 - Heterozygous variant detected in trans with a second likely pathogenic heterozygous variant (NM_018669.6 (WDR4):c.727-331G>T) in a recessive disease. (I) Legend: (SP) - Supporting pathogenic, (I) - Information, (SB) - Supporting benign

Laboratoire Génétique Moléculaire, CHRU TOURS
Classification: Uncertain significance for Galloway-Mowat syndrome 6; Microcephaly, growth deficiency, seizures, and brain malformations. Last evaluated: 2024-04-02. Review status: criteria provided, single submitter. Criteria: ACMG Guidelines, 2015. Collection method: clinical testing. Allele origin: biparental.
Comment: PM2;PP3

Labcorp Genetics (formerly Invitae), Labcorp
Classification: Uncertain significance. Last evaluated: 2022-10-05. Review status: criteria provided, single submitter. Criteria: Invitae Variant Classification Sherloc (09022015). Collection method: clinical testing. Allele origin: germline.
Comment: This sequence change affects the initiator methionine of the WDR4 mRNA. The next in-frame methionine is located at codon 147. This variant is present in population databases (rs142849945, gnomAD 0.05%). This variant has not been reported in the literature in individuals affected with WDR4-related conditions. In summary, the available evidence is currently insufficient to determine the role of this variant in disease. Therefore, it has been classified as a Variant of Uncertain Significance.

Literature cited by the submitters: PubMed 31289202 (cited by Victorian Clinical Genetics Services, Murdoch Childrens Research Institute).